The following is an entry in ClinVar:

NM_020163.3(SEMA3G):c.2232del (p.Ser745fs)

Gene: SEMA3G (semaphorin 3G; minus strand). Cytogenetic location: 3p21.1.
Variant type: Deletion.
Coding change: c.2232del on transcript NM_020163.3 (MANE Select); coding-DNA position 2232, one base deleted (G; older notation c.2232delG).
Protein change: p.Ser745fs; shifts the reading frame from serine 745.
Molecular consequence: frameshift variant.
Genome position (GRCh38, 1-based): chr3:52,435,720, C deleted on the plus strand (G on the coding strand, the reverse complement: SEMA3G is on the minus strand); the first of 2 consecutive C bases (chr3:52,435,720-52,435,721); deleting either gives the same sequence. VCF-style (leftmost placement, unchanged base first): chr3-52435719-TC-T. GRCh37 (hg19) VCF-style: chr3-52469735-TC-T.
Other names: short protein forms S745fs.
Identifiers: ClinVar variation 4977364 (VCV004977364.1).

ClinVar aggregate classification (germline): Uncertain significance (1 of 4 stars; one submission).

Conditions:
SEMA3G-related disorder. Also called: SEMA3G-related condition.

Submission:

PreventionGenetics, part of Exact Sciences
Classification: Uncertain significance for SEMA3G-related condition. Last evaluated: 2025-11-24. Review status: criteria provided, single submitter. Criteria: ACMG Guidelines, 2015. Collection method: clinical testing. Allele origin: germline.
Comment: The SEMA3G c.2232delG variant is predicted to result in a frameshift and premature protein termination (p.Ser745Alafs*16). To our knowledge, this variant has not been reported in the literature. This variant resides in the last exon, and therefore the resulting transcript may not undergo nonsense-mediated decay. This variant is reported in 0.0058% of alleles in individuals of Latino descent in gnomAD. At this time, the clinical significance of this variant is uncertain due to the absence of conclusive functional and genetic evidence.